The following is an entry in ClinVar:

ClinVar aggregate classification (germline): Conflicting classifications of pathogenicity. Review status: criteria provided, conflicting classifications (1 of 4 stars). 7 submissions from 7 submitters: Likely pathogenic (3); Uncertain significance (3). 1 of the submissions does not count toward it. Last evaluated 2025-10-27.

Conditions:
Muscular dystrophy-dystroglycanopathy (congenital with brain and eye anomalies), type A, 4 (MDDGA4). Also called: Muscular dystrophy, congenital progressive, with mental retardation; Muscular dystrophy, congenital, with central nervous system involvement; Cerebromuscular dystrophy, Fukuyama type; Fukuyama congenital muscular dystrophy; Congenital muscular dystrophy-dystroglycanopathy with brain and eye anomalies, type A4; WALKER-WARBURG SYNDROME OR MUSCLE-EYE-BRAIN DISEASE, FKTN-RELATED. Identifiers: Orphanet 272, Orphanet 588, Orphanet 899, MedGen C0410174, MONDO:0009678, OMIM 253800.
Dilated cardiomyopathy 1X (CMD1X). Also called: CARDIOMYOPATHY, DILATED, WITH MILD OR NO PROXIMAL MUSCLE WEAKNESS; FKTN-Related Dilated Cardiomyopathy. Identifiers: Orphanet 154, MedGen C1969024, MONDO:0012704, OMIM 611615.
Autosomal recessive limb-girdle muscular dystrophy type 2M. Also called: MUSCULAR DYSTROPHY-DYSTROGLYCANOPATHY (LIMB-GIRDLE), TYPE C, 4; MUSCULAR DYSTROPHY, LIMB-GIRDLE, TYPE 2M. Identifiers: Orphanet 206554, MedGen C1969040, MONDO:0012699, OMIM 611588.
Muscular dystrophy-dystroglycanopathy (congenital without impaired intellectual development), type B, 4. Also called: Muscular dystrophy-dystroglycanopathy (congenital without intellectual disability), type B4; MUSCULAR DYSTROPHY, CONGENITAL, FKTN-RELATED. Identifiers: MedGen C2751052, MONDO:0013156, OMIM 613152.
Walker-Warburg congenital muscular dystrophy. Also called: Muscular dystrophy-dystroglycanopathy, type A; Walker-Warburg syndrome. Identifiers: Orphanet 899, MedGen C0265221, MONDO:0000171.
Myopathy caused by variation in FKTN. Identifiers: MedGen CN305638, MONDO:0700067.

Allele frequency attached by ClinVar (database versions not stated): TOPMed 0.00001; gnomAD 0.00002.

Submissions (7):

Myriad Genetics, Inc.
Classification: Uncertain significance for Myopathy caused by variation in FKTN. Last evaluated: 2025-10-27. Review status: criteria provided, single submitter. Criteria: Myriad Autosomal Dominant, Autosomal Recessive and X-Linked Classification Criteria (2023). Collection method: clinical testing. Allele origin: unknown.
Comment: NM_001079802.1(FKTN):c.1325A>G(N442S) is a missense variant classified as a variant of uncertain significance in the context of FKTN-related disorders. N442S has been observed in cases with relevant disease (PMID: 35743126, 28785732, 34008892, 31737537, 40870035). Relevant functional assessments of this variant are not available in the literature. N442S has been observed in referenced population frequency databases. In summary, there is insufficient evidence to classify NM_001079802.1(FKTN):c.1325A>G(N442S) as pathogenic or benign. Please note: this variant was assessed in the context of healthy population screening.

Fulgent Genetics
Classification: Likely pathogenic for Muscular dystrophy-dystroglycanopathy (congenital with brain and eye anomalies), type A, 4; Autosomal recessive limb-girdle muscular dystrophy type 2M; Dilated cardiomyopathy 1X; Muscular dystrophy-dystroglycanopathy (congenital without impaired intellectual development), type B, 4. Last evaluated: 2024-04-22. Review status: criteria provided, single submitter. Criteria: ACMG Guidelines, 2015. Collection method: clinical testing. Allele origin: germline.

Women's Health and Genetics/Laboratory Corporation of America, LabCorp
Classification: Uncertain significance. Last evaluated: 2024-04-19. Review status: criteria provided, single submitter. Criteria: LabCorp Variant Classification Summary - May 2015. Collection method: clinical testing. Allele origin: germline.
Comment: Variant summary: FKTN c.1325A>G (p.Asn442Ser) results in a conservative amino acid change in the encoded protein sequence. Two of three in-silico tools predict a benign effect of the variant on protein function. The variant allele was found at a frequency of 4e-06 in 251392 control chromosomes (gnomAD). c.1325A>G has been reported in the literature in individuals affected with features of Muscular dystrophy, limb-girdle, type 2M (Smogavec_2017, Marinakis_2021, Gaertner_2022). These data indicate that the variant may be associated with disease. To our knowledge, no experimental evidence demonstrating an impact on protein function has been reported. The following publications have been ascertained in the context of this evaluation (PMID: 28785732, 34008892, 35743126). ClinVar contains an entry for this variant (Variation ID: 947398). Based on the evidence outlined above, the variant was classified as VUS-possibly pathogenic.

Baylor Genetics
Classification: Likely pathogenic for Dilated cardiomyopathy 1X. Last evaluated: 2024-03-01. Review status: criteria provided, single submitter. Criteria: ACMG Guidelines, 2015. Collection method: clinical testing. Allele origin: unknown.

Labcorp Genetics (formerly Invitae), Labcorp
Classification: Uncertain significance for Walker-Warburg congenital muscular dystrophy. Last evaluated: 2022-03-03. Review status: criteria provided, single submitter. Criteria: Invitae Variant Classification Sherloc (09022015). Collection method: clinical testing. Allele origin: germline.
Comment: This sequence change replaces asparagine, which is neutral and polar, with serine, which is neutral and polar, at codon 442 of the FKTN protein (p.Asn442Ser). This variant is present in population databases (no rsID available, gnomAD 0.007%). This missense change has been observed in individual(s) with clinical features of FKTN-related conditions (PMID: 28785732, 34008892). ClinVar contains an entry for this variant (Variation ID: 947398). Algorithms developed to predict the effect of missense changes on protein structure and function are either unavailable or do not agree on the potential impact of this missense change (SIFT: "Deleterious"; PolyPhen-2: "Probably Damaging"; Align-GVGD: "Class C0"). Algorithms developed to predict the effect of sequence changes on RNA splicing suggest that this variant may create or strengthen a splice site. In summary, the available evidence is currently insufficient to determine the role of this variant in disease. Therefore, it has been classified as a Variant of Uncertain Significance.

Laboratory of Medical Genetics, National & Kapodistrian University of Athens
Classification: Likely pathogenic for Muscular dystrophy-dystroglycanopathy (congenital with brain and eye anomalies), type A, 4. Last evaluated: 2021-10-01. Review status: criteria provided, single submitter. Criteria: ACMG Guidelines, 2015. Collection method: clinical testing. Allele origin: maternal. Affected: yes.
Comment: PM2, PM3, PP3, PP5

Natera, Inc.
Classification: Uncertain significance for Walker-Warburg congenital muscular dystrophy. Last evaluated: 2021-01-06. Review status: no assertion criteria provided. Collection method: clinical testing. Allele origin: germline. Not counted in ClinVar's aggregate classification.

Literature cited by the submitters: PubMed 28785732 (cited by 3 submitters); PubMed 31737537 (cited by Myriad Genetics, Inc.); PubMed 34008892 (cited by 4 submitters); PubMed 35743126 (cited by Myriad Genetics, Inc. and Women's Health and Genetics/Laboratory Corporation of America, LabCorp); PubMed 40870035 (cited by Myriad Genetics, Inc.).

NM_001079802.2(FKTN):c.1325A>G (p.Asn442Ser)

Gene: FKTN (fukutin; plus strand). Cytogenetic location: 9q31.2.
Variant type: single nucleotide variant.
Coding change: c.1325A>G on transcript NM_001079802.2 (MANE Select); coding-DNA position 1325, A replaced by G.
Protein change: p.Asn442Ser; replaces asparagine 442 with serine.
Molecular consequence: missense variant. On other transcripts: 3 prime UTR variant (1), non-coding transcript variant (2), intron variant (1).
Genome position (GRCh38, 1-based): chr9:105,635,203, A>G. VCF-style: chr9-105635203-A-G. GRCh37 (hg19) VCF-style: chr9-108397484-A-G.
Other names: c.1325A>G, p.Asn442Ser (NM_001351496.2, NM_006731.2); c.1256A>G, p.Asn419Ser (NM_001351497.2); c.*117A>G (NM_001351498.2); c.929A>G, p.Asn310Ser (NM_001351499.2, NM_001351500.2, NM_001351501.2 and 1 more transcripts); c.1270+55A>G (NM_001198963.2); short protein forms N310S, N442S, N419S.
Identifiers: ClinVar variation 947398 (VCV000947398.14), dbSNP rs1429464723, ClinGen allele CA374378341.